The following is an entry in ClinVar:

NM_016077.5(PTRH2):c.-41A>G

Gene: PTRH2 (peptidyl-tRNA hydrolase 2; minus strand). Cytogenetic location: 17q23.1.
Variant type: single nucleotide variant.
Coding change: c.-41A>G on transcript NM_016077.5 (MANE Select); 41 bases upstream of the start codon, A replaced by G.
Molecular consequence: 5 prime UTR variant.
Genome position (GRCh38, 1-based): chr17:59,707,411, T>C on the plus strand (A>G on the coding strand, the complement: PTRH2 is on the minus strand). VCF-style: chr17-59707411-T-C. GRCh37 (hg19) VCF-style: chr17-57784772-T-C.
Other names: c.-1357A>G (NM_001015509.3).
Identifiers: ClinVar variation 510981 (VCV000510981.1), dbSNP rs560660037, ClinGen allele CA292137383.

ClinVar aggregate classification (germline): Likely benign (1 of 4 stars; one submission).

Allele frequency attached by ClinVar (database versions not stated): 1000 Genomes Project 30x 0.00016; TOPMed 0.00017; 1000 Genomes Project 0.00020; gnomAD 0.00022.

Submission:

GeneDx
Classification: Likely benign. Last evaluated: 2017-08-01. Review status: criteria provided, single submitter. Criteria: GeneDx Variant Classification (06012015). Collection method: clinical testing. Allele origin: germline. Affected: yes.
Comment: This variant is considered likely benign or benign based on one or more of the following criteria: it is a conservative change, it occurs at a poorly conserved position in the protein, it is predicted to be benign by multiple in silico algorithms, and/or has population frequency not consistent with disease.